The following is an entry in ClinVar:

ClinVar aggregate classification (germline): Uncertain significance (1 of 4 stars; one submission).

Conditions:
Rhabdoid tumor predisposition syndrome 2 (RTPS2). Identifiers: Orphanet 231108, Orphanet 69077, MedGen C2750074, MONDO:0013224, OMIM 613325.

Allele frequency attached by ClinVar (database versions not stated): gnomAD exomes below 0.00001.
gnomAD v4.1: 1 of 1,612,976 alleles (0.000062%); highest among the groups gnomAD compares: African/African-American, 0.0013%; no homozygotes.

Submission:

Labcorp Genetics (formerly Invitae), Labcorp
Classification: Uncertain significance for Rhabdoid tumor predisposition syndrome 2. Last evaluated: 2024-02-24. Review status: criteria provided, single submitter. Criteria: Invitae Variant Classification Sherloc (09022015). Collection method: clinical testing. Allele origin: germline.
Comment: This sequence change replaces proline, which is neutral and non-polar, with alanine, which is neutral and non-polar, at codon 846 of the SMARCA4 protein (p.Pro846Ala). This variant is not present in population databases (gnomAD no frequency). This variant has not been reported in the literature in individuals affected with SMARCA4-related conditions. ClinVar contains an entry for this variant (Variation ID: 851595). Advanced modeling of protein sequence and biophysical properties (such as structural, functional, and spatial information, amino acid conservation, physicochemical variation, residue mobility, and thermodynamic stability) has been performed at Invitae for this missense variant, however the output from this modeling did not meet the statistical confidence thresholds required to predict the impact of this variant on SMARCA4 protein function. In summary, the available evidence is currently insufficient to determine the role of this variant in disease. Therefore, it has been classified as a Variant of Uncertain Significance.

NM_003072.5(SMARCA4):c.2536C>G (p.Pro846Ala)

Gene: SMARCA4 (SWI/SNF related BAF chromatin remodeling complex subunit ATPase 4; plus strand). Cytogenetic location: 19p13.2.
Variant type: single nucleotide variant.
Coding change: c.2536C>G on transcript NM_003072.5 (MANE Select); coding-DNA position 2536, C replaced by G.
Protein change: p.Pro846Ala; replaces proline 846 with alanine.
Molecular consequence: missense variant. On other transcripts: non-coding transcript variant (1).
Genome position (GRCh38, 1-based): chr19:11,019,621, C>G. VCF-style: chr19-11019621-C-G. GRCh37 (hg19) VCF-style: chr19-11130297-C-G.
Other names: c.2536C>G, p.Pro846Ala (NM_001128844.3, NM_001128845.2, NM_001128846.2 and 4 more transcripts); short protein forms P846A.
Identifiers: ClinVar variation 851595 (VCV000851595.9), dbSNP rs2089681158, ClinGen allele CA404054385.